The following is an entry in ClinVar:

NM_000038.6(APC):c.1409-2A>G

Gene: APC (APC regulator of Wnt signaling pathway; plus strand). Cytogenetic location: 5q22.2.
Variant type: single nucleotide variant.
Coding change: c.1409-2A>G on transcript NM_000038.6 (MANE Select); the canonical splice acceptor site of the intron before coding-DNA position 1409, A replaced by G.
Molecular consequence: splice acceptor variant.
Genome position (GRCh38, 1-based): chr5:112,827,106, A>G. VCF-style: chr5-112827106-A-G. GRCh37 (hg19) VCF-style: chr5-112162803-A-G.
Other names: c.560-2A>G (NM_001407470.1, NM_001354906.2); c.257-2A>G (NM_001407472.1, NM_001407471.1); c.1463-2A>G (NM_001407447.1, NM_001407448.1, NM_001407449.1 and 1 more transcripts); c.1409-2A>G (NM_001354895.2, NM_001407450.1, NM_001127510.3); c.1160-2A>G (NM_001407456.1, NM_001407457.1, NM_001407455.1 and 1 more transcripts); c.1106-2A>G (NM_001407460.1, NM_001407458.1, NM_001407459.1 and 1 more transcripts); c.1379-2A>G (NM_001407452.1); c.1022-2A>G (NM_001407469.1, NM_001407467.1); and 11 more.
Identifiers: ClinVar variation 517442 (VCV000517442.7), dbSNP rs1064794163, ClinGen allele CA360619888.

ClinVar aggregate classification (germline): Pathogenic/Likely pathogenic. Review status: criteria provided, multiple submitters, no conflicts (2 of 4 stars). 3 submissions from 3 submitters: Pathogenic (2); Likely pathogenic (1). Last evaluated 2022-12-21.

Conditions:
Hereditary cancer-predisposing syndrome. Also called: Tumor predisposition; Hereditary neoplastic syndrome; Neoplastic Syndromes, Hereditary; Hereditary Cancer Syndrome. Identifiers: Orphanet 140162, MedGen C0027672, MeSH D009386, MONDO:0015356.
Familial multiple polyposis syndrome (FAP). Also called: Familial polyposis; Classic familial adenomatous polyposis; Familial adenomatous polyposis; Familial intestinal polyposis; Familial Adenomatous Polyposis (FAP). Identifiers: Orphanet 733, MedGen C0032580, MONDO:0021055. Disease mechanism: loss of function.

Submissions (3):

Quest Diagnostics Nichols Institute San Juan Capistrano
Classification: Pathogenic. Last evaluated: 2022-12-21. Review status: criteria provided, single submitter. Criteria: Quest Diagnostics criteria. Collection method: clinical testing. Allele origin: unknown.
Comment: This variant disrupts a canonical splice-acceptor site and interferes with normal APC mRNA splicing. This variant has not been reported in large, multi-ethnic general populations. In the published literature, the variant has been reported in individuals/families with familial adenomatous polyposis (FAP) (PMID: 15459959 (2004) and 20223039 (2005)). Based on the available information, this variant is classified as pathogenic.

Ambry Genetics
Classification: Pathogenic for Hereditary cancer-predisposing syndrome. Last evaluated: 2021-11-01. Review status: criteria provided, single submitter. Criteria: Ambry Variant Classification Scheme 2023. Collection method: clinical testing. Allele origin: germline.
Comment: The c.1409-2A>G intronic pathogenic variant results from an A to G substitution two nucleotides upstream from coding exon 11 in the APC gene. This alteration has been identified in patient cohorts with clinical diagnoses of FAP or AFAP (Friedl W et al. Hered Cancer Clin Pract, 2005 Sep;3:95-114; Aretz S et al. Hum Mutat, 2004 Nov;24:370-80). This variant is considered to be rare based on population cohorts in the Genome Aggregation Database (gnomAD). This nucleotide position is highly conserved in available vertebrate species. In silico splice site analysis predicts that this alteration will weaken the native splice acceptor site and will result in the creation or strengthening of a novel splice acceptor site. Alterations that disrupt the canonical splice site are expected to cause aberrant splicing, resulting in an abnormal protein or a transcript that is subject to nonsense-mediated mRNA decay. As such, this alteration is classified as a disease-causing mutation.

Laboratory for Molecular Medicine, Mass General Brigham Personalized Medicine
Classification: Likely pathogenic for Familial multiple polyposis syndrome. Last evaluated: 2017-11-02. Review status: criteria provided, single submitter. Criteria: LMM Criteria. Collection method: clinical testing. Allele origin: germline. Inheritance: Autosomal dominant inheritance. Observed: 1 variant allele.
Comment: This variant occurs in the invariant region (+/- 1,2) of the splice cons ensus sequence and has been observed to cause skipping of exon 11 of APC (Aretz 2004), resulting in a truncated protein that is lacking 32 amino acids. Other va riants at this splice site have been reported in the Human Gene Mutation Databas e (HGMD) in association with FAP, one affecting the same nucleotide and two affe cting the -1 position (Stenson 2017). In summary, while additional studies are r equired to fully establish its clinical significance, the c.1409-2A>G variant is likely pathogenic. ACMG/AMP criteria applied: PM2, PM4, PP3, PS4_Supporting (Ri chards 2015).

Literature cited by the submitters: PubMed 15459959 (cited by 3 submitters); PubMed 20223039 (cited by 3 submitters); PubMed 28349240 (cited by Laboratory for Molecular Medicine, Mass General Brigham Personalized Medicine).